The following is an entry in ClinVar:

ClinVar aggregate classification (germline): Uncertain significance. Review status: criteria provided, single submitter (1 of 4 stars). 2 submissions from 2 submitters: Uncertain significance (1). 1 of the submissions does not count toward it. Last evaluated 2025-06-18.

Conditions:
OCRL-related disorder. Also called: OCRL-related condition.
Lowe syndrome (OCRL). Also called: LOWE OCULOCEREBRORENAL SYNDROME; PHOSPHATIDYLINOSITOL 4,5-BISPHOSPHATE 5-PHOSPHATASE DEFICIENCY; Oculocerebrorenal Syndrome. Identifiers: Orphanet 534, MedGen C0028860, MONDO:0010645, OMIM 309000.

gnomAD v4.1: 1 of 1,211,646 alleles (0.000083%); highest among the groups gnomAD compares: Admixed American, 0.0022%; no homozygotes.

Submissions (2):

Labcorp Genetics (formerly Invitae), Labcorp
Classification: Uncertain significance for Lowe syndrome. Last evaluated: 2025-06-18. Review status: criteria provided, single submitter. Criteria: Invitae Variant Classification Sherloc (09022015). Collection method: clinical testing. Allele origin: germline.
Comment: This sequence change replaces tyrosine, which is neutral and polar, with phenylalanine, which is neutral and non-polar, at codon 805 of the OCRL protein (p.Tyr805Phe). This variant is not present in population databases (gnomAD no frequency). This variant has not been reported in the literature in individuals affected with OCRL-related conditions. ClinVar contains an entry for this variant (Variation ID: 3348135). Invitae Evidence Modeling of protein sequence and biophysical properties (such as structural, functional, and spatial information, amino acid conservation, physicochemical variation, residue mobility, and thermodynamic stability) indicates that this missense variant is not expected to disrupt OCRL protein function with a negative predictive value of 80%. In summary, the available evidence is currently insufficient to determine the role of this variant in disease. Therefore, it has been classified as a Variant of Uncertain Significance.

PreventionGenetics, part of Exact Sciences
Classification: Uncertain significance for OCRL-related condition. Last evaluated: 2024-06-22. Review status: no assertion criteria provided. Collection method: clinical testing. Allele origin: germline. Not counted in ClinVar's aggregate classification.
Comment: The OCRL c.2414A>T variant is predicted to result in the amino acid substitution p.Tyr805Phe. To our knowledge, this variant has not been reported in the literature or in a large population database, indicating this variant is rare. At this time, the clinical significance of this variant is uncertain due to the absence of conclusive functional and genetic evidence.

NM_000276.4(OCRL):c.2414A>T (p.Tyr805Phe)

Gene: OCRL (OCRL inositol polyphosphate-5-phosphatase; plus strand). Cytogenetic location: Xq26.1.
Variant type: single nucleotide variant.
Coding change: c.2414A>T on transcript NM_000276.4 (MANE Select); coding-DNA position 2414, A replaced by T.
Protein change: p.Tyr805Phe; replaces tyrosine 805 with phenylalanine.
Molecular consequence: missense variant.
Genome position (GRCh38, 1-based): chrX:129,588,958, A>T. VCF-style: chrX-129588958-A-T. GRCh37 (hg19) VCF-style: chrX-128722935-A-T.
Other names: c.2417A>T, p.Tyr806Phe (NM_001318784.2); c.2390A>T, p.Tyr797Phe (NM_001587.4); short protein forms Y797F, Y805F, Y806F.
Identifiers: ClinVar variation 3348135 (VCV003348135.3).